The following is an entry in ClinVar:

ClinVar aggregate classification (germline): Benign/Likely benign. Review status: criteria provided, multiple submitters, no conflicts (2 of 4 stars). 4 submissions from 4 submitters: Benign (1); Likely benign (3). Last evaluated 2026-06-26.

Conditions:
TSC2-related disorder. Also called: TSC2-Related Disorders; TSC2-related condition.
Hereditary cancer-predisposing syndrome. Also called: Hereditary Cancer Syndrome; Tumor predisposition; Hereditary neoplastic syndrome; Neoplastic Syndromes, Hereditary. Identifiers: Orphanet 140162, MedGen C0027672, MeSH D009386, MONDO:0015356.
Tuberous sclerosis 2 (TSC2). Identifiers: Orphanet 805, MedGen C1860707, MONDO:0013199, OMIM 613254.

Allele frequency attached by ClinVar (database versions not stated): gnomAD exomes below 0.00001; TOPMed 0.00001.
gnomAD v4.1: 5 of 1,612,750 alleles (0.00031%); highest among the groups gnomAD compares: African/African-American, 0.0013%; no homozygotes.

Submissions (4):

PreventionGenetics, part of Exact Sciences
Classification: Likely benign for TSC2-related condition. Last evaluated: 2026-06-26. Review status: criteria provided, single submitter. Criteria: ACMG Guidelines, 2015. Collection method: clinical testing. Allele origin: germline.
Comment: This variant is classified as likely benign based on ACMG/AMP sequence variant interpretation guidelines (Richards et al. 2015 PMID: 25741868, with internal and published modifications).

Labcorp Genetics (formerly Invitae), Labcorp
Classification: Likely benign for Tuberous sclerosis 2. Last evaluated: 2025-12-08. Review status: criteria provided, single submitter. Criteria: Invitae Variant Classification Sherloc (09022015). Collection method: clinical testing. Allele origin: germline.

Myriad Genetics, Inc.
Classification: Benign for Tuberous sclerosis 2. Last evaluated: 2025-05-28. Review status: criteria provided, single submitter. Criteria: Myriad Autosomal Dominant, Autosomal Recessive and X-Linked Classification Criteria (2023). Collection method: clinical testing. Allele origin: unknown.
Comment: This variant is considered benign. This variant is a silent/synonymous amino acid change and it is not expected to impact splicing.

Ambry Genetics
Classification: Likely benign for Hereditary cancer-predisposing syndrome. Last evaluated: 2018-02-14. Review status: criteria provided, single submitter. Criteria: Ambry Variant Classification Scheme 2023. Collection method: clinical testing. Allele origin: germline.

NM_000548.5(TSC2):c.3264G>A (p.Leu1088=)

Gene: TSC2 (TSC complex subunit 2; plus strand). Cytogenetic location: 16p13.3.
Variant type: single nucleotide variant.
Coding change: c.3264G>A on transcript NM_000548.5 (MANE Select); coding-DNA position 3264, G replaced by A.
Protein change: p.Leu1088=; no amino-acid change (leucine 1088 retained).
Molecular consequence: synonymous variant.
Genome position (GRCh38, 1-based): chr16:2,079,408, G>A. VCF-style: chr16-2079408-G-A. GRCh37 (hg19) VCF-style: chr16-2129409-G-A.
Other names: c.3132G>A, p.Leu1044= (NM_001077183.3, NM_001370404.1); c.3264G>A, p.Leu1088= (NM_001114382.3); c.3024G>A, p.Leu1008= (NM_001318827.2); c.2988G>A, p.Leu996= (NM_001318829.2); c.2532G>A, p.Leu844= (NM_001318831.2); c.3165G>A, p.Leu1055= (NM_001318832.2); c.3135G>A, p.Leu1045= (NM_001363528.2, NM_001370405.1, NM_021055.3); c.3264G>A (NM_000548.4).
Identifiers: ClinVar variation 413653 (VCV000413653.15), dbSNP rs920434484, ClinGen allele CA16614765.